The following is an entry in ClinVar:

ClinVar aggregate classification (germline): Pathogenic (1 of 4 stars; one submission).

Submission:

Labcorp Genetics (formerly Invitae), Labcorp
Classification: Pathogenic. Last evaluated: 2023-12-13. Review status: criteria provided, single submitter. Criteria: Invitae Variant Classification Sherloc (09022015). Collection method: clinical testing. Allele origin: unknown.
Comment: This variant is a gross deletion of the genomic region encompassing exon(s) 13-14 of the OTOA gene. This variant would be expected to be in-frame, preserving the integrity of the reading frame. This variant has not been reported in the literature in individuals affected with OTOA-related conditions. This variant disrupts a region of the OTOA protein in which other variant(s) (p.Phe521Ser) have been determined to be pathogenic (Invitae). This suggests that this is a clinically significant region of the protein, and that variants that disrupt it are likely to be disease-causing. For these reasons, this variant has been classified as Pathogenic.

NC_000016.9:g.(?_21726286)_(21728388_?)del

Gene: OTOA (otoancorin). Cytogenetic location: 16p12.2.
Variant type: Deletion.
Identifiers: ClinVar variation 3243670 (VCV003243670.1).